The following is an entry in ClinVar:

ClinVar aggregate classification (germline): Uncertain significance (1 of 4 stars; one submission).

Submission:

GeneDx
Classification: Uncertain significance. Last evaluated: 2024-09-17. Review status: criteria provided, single submitter. Criteria: GeneDx Variant Classification Process June 2021. Collection method: clinical testing. Allele origin: germline. Affected: yes.
Comment: Not observed at significant frequency in large population cohorts (gnomAD); In silico analysis supports that this missense variant has a deleterious effect on protein structure/function; Has not been previously published as pathogenic or benign to our knowledge

NM_015559.3(SETBP1):c.2571C>A (p.Ser857Arg)

Gene: SETBP1 (SET binding protein 1; plus strand). Cytogenetic location: 18q12.3.
Variant type: single nucleotide variant.
Coding change: c.2571C>A on transcript NM_015559.3 (MANE Select); coding-DNA position 2571, C replaced by A.
Protein change: p.Ser857Arg; replaces serine 857 with arginine.
Molecular consequence: missense variant.
Genome position (GRCh38, 1-based): chr18:44,951,911, C>A. VCF-style: chr18-44951911-C-A. GRCh37 (hg19) VCF-style: chr18-42531876-C-A.
Other names: c.2571C>A, p.Ser857Arg (NM_001379141.1, NM_001379142.1, NM_001410862.1); short protein forms S857R.
Identifiers: ClinVar variation 3769778 (VCV003769778.1).